The following is an entry in ClinVar:

NM_000264.5(PTCH1):c.956T>A (p.Met319Lys)

Gene: PTCH1 (patched 1; minus strand). Cytogenetic location: 9q22.32.
Variant type: single nucleotide variant.
Coding change: c.956T>A on transcript NM_000264.5 (MANE Select); coding-DNA position 956, T replaced by A.
Protein change: p.Met319Lys; replaces methionine 319 with lysine.
Molecular consequence: missense variant. On other transcripts: non-coding transcript variant (1).
Genome position (GRCh38, 1-based): chr9:95,480,080, A>T on the plus strand (T>A on the coding strand, the complement: PTCH1 is on the minus strand). VCF-style: chr9-95480080-A-T. GRCh37 (hg19) VCF-style: chr9-98242362-A-T.
Other names: c.758T>A, p.Met253Lys (NM_001083602.3); c.953T>A, p.Met318Lys (NM_001083603.3); c.503T>A, p.Met168Lys (NM_001083604.3, NM_001083605.3, NM_001083606.3 and 1 more transcripts); c.956T>A, p.Met319Lys (NM_001354918.2); short protein forms M253K, M168K, M318K, M319K.
Identifiers: ClinVar variation 3427285 (VCV003427285.1).

ClinVar aggregate classification (germline): Uncertain significance (1 of 4 stars; one submission).

Conditions:
Hereditary cancer-predisposing syndrome. Also called: Neoplastic Syndromes, Hereditary; Tumor predisposition; Hereditary Cancer Syndrome; Hereditary neoplastic syndrome. Identifiers: Orphanet 140162, MedGen C0027672, MeSH D009386, MONDO:0015356.

Submission:

Ambry Genetics
Classification: Uncertain significance for Hereditary cancer-predisposing syndrome. Last evaluated: 2024-09-18. Review status: criteria provided, single submitter. Criteria: Ambry Variant Classification Scheme 2023. Collection method: clinical testing. Allele origin: germline.
Comment: The p.M319K variant (also known as c.956T>A), located in coding exon 7 of the PTCH1 gene, results from a T to A substitution at nucleotide position 956. The methionine at codon 319 is replaced by lysine, an amino acid with similar properties. This amino acid position is conserved. In addition, the in silico prediction for this alteration is inconclusive. Based on the available evidence, the clinical significance of this variant remains unclear.